The following is an entry in ClinVar:

ClinVar aggregate classification (germline): Pathogenic (1 of 4 stars; one submission).

Conditions:
Neurofibromatosis, type 1 (NF1). Also called: VON RECKLINGHAUSEN DISEASE; Neurofibromatosis, type I; NEUROFIBROMATOSIS, TYPE I, SOMATIC; Peripheral type neurofibromatosis. Identifiers: Orphanet 636, MedGen C0027831, MONDO:0018975, OMIM 162200. Disease mechanism: loss of function.

Submission:

Labcorp Genetics (formerly Invitae), Labcorp
Classification: Pathogenic for Neurofibromatosis, type 1. Last evaluated: 2020-11-25. Review status: criteria provided, single submitter. Criteria: Invitae Variant Classification Sherloc (09022015). Collection method: clinical testing. Allele origin: germline.
Comment: This sequence change creates a premature translational stop signal (p.Thr2314Aspfs*5) in the NF1 gene. It is expected to result in an absent or disrupted protein product. Loss-of-function variants in NF1 are known to be pathogenic (PMID: 10712197, 23913538). This variant is not present in population databases (ExAC no frequency). This variant has not been reported in the literature in individuals with NF1-related conditions. For these reasons, this variant has been classified as Pathogenic.

Literature cited by the submitters: PubMed 10712197; PubMed 23913538.

NM_001042492.3(NF1):c.7002_7003insG (p.Thr2335fs)

Gene: NF1 (neurofibromin 1; plus strand). Cytogenetic location: 17q11.2.
Variant type: Insertion.
Coding change: c.7002_7003insG on transcript NM_001042492.3 (MANE Select); coding-DNA positions 7002 to 7003, G inserted.
Protein change: p.Thr2335fs; shifts the reading frame from threonine 2335.
Molecular consequence: frameshift variant.
Genome position: GRCh38 VCF-style: chr17-31340585-T-TG. GRCh37 (hg19) VCF-style: chr17-29667603-T-TG.
Other names: c.6939_6940insG, p.Thr2314Aspfs (NM_000267.4); short protein forms T2314fs, T2335fs.
Identifiers: ClinVar variation 1396697 (VCV001396697.6), dbSNP rs2151561787, ClinGen allele CA2573153891.